The following is an entry in ClinVar:

NM_004655.4(AXIN2):c.1788A>T (p.Glu596Asp)

Gene: AXIN2 (axin 2; minus strand). Cytogenetic location: 17q24.1.
Variant type: single nucleotide variant.
Coding change: c.1788A>T on transcript NM_004655.4 (MANE Select); coding-DNA position 1788, A replaced by T.
Protein change: p.Glu596Asp; replaces glutamic acid 596 with aspartic acid.
Molecular consequence: missense variant. On other transcripts: intron variant (1).
Genome position (GRCh38, 1-based): chr17:65,536,988, T>A on the plus strand (A>T on the coding strand, the complement: AXIN2 is on the minus strand). VCF-style: chr17-65536988-T-A. GRCh37 (hg19) VCF-style: chr17-63533106-T-A.
Other names: c.1712+336A>T (NM_001363813.1); short protein forms E596D.
Identifiers: ClinVar variation 3335483 (VCV003335483.1).

ClinVar aggregate classification (germline): Uncertain significance (1 of 4 stars; one submission).

Conditions:
Hereditary cancer-predisposing syndrome. Also called: Neoplastic Syndromes, Hereditary; Tumor predisposition; Hereditary neoplastic syndrome; Hereditary Cancer Syndrome. Identifiers: Orphanet 140162, MedGen C0027672, MeSH D009386, MONDO:0015356.

Submission:

Ambry Genetics
Classification: Uncertain significance for Hereditary cancer-predisposing syndrome. Last evaluated: 2024-03-27. Review status: criteria provided, single submitter. Criteria: Ambry Variant Classification Scheme 2023. Collection method: clinical testing. Allele origin: germline.
Comment: The p.E596D variant (also known as c.1788A>T), located in coding exon 6 of the AXIN2 gene, results from an A to T substitution at nucleotide position 1788. The glutamic acid at codon 596 is replaced by aspartic acid, an amino acid with highly similar properties. This amino acid position is conserved. In addition, this alteration is predicted to be tolerated by in silico analysis. Based on the available evidence, the clinical significance of this alteration remains unclear.